The following is an entry in ClinVar:

NM_015346.4(ZFYVE26):c.2554-17_2554-14delinsG

Gene: ZFYVE26 (zinc finger FYVE-type containing 26; minus strand). Cytogenetic location: 14q24.1.
Variant type: Indel.
Coding change: c.2554-17_2554-14delinsG on transcript NM_015346.4 (MANE Select); 17 bases into the intron before coding-DNA position 2554 through 14 bases into the intron before coding-DNA position 2554, TCCC replaced by G.
Molecular consequence: intron variant.
Genome position (GRCh38, 1-based): chr14:67,790,787-67,790,790, GGGA replaced by C on the plus strand (TCCC replaced by G on the coding strand, the reverse complement: ZFYVE26 is on the minus strand). VCF-style: chr14-67790787-GGGA-C. GRCh37 (hg19) VCF-style: chr14-68257504-GGGA-C.
Identifiers: ClinVar variation 3375260 (VCV003375260.2).

ClinVar aggregate classification (germline): Conflicting classifications of pathogenicity. Review status: criteria provided, conflicting classifications (1 of 4 stars). 2 submissions from 2 submitters: Uncertain significance (1); Likely benign (1). Last evaluated 2024-09-24.

Submissions (2):

Women's Health and Genetics/Laboratory Corporation of America, LabCorp
Classification: Likely benign. Last evaluated: 2024-09-24. Review status: criteria provided, single submitter. Criteria: LabCorp Variant Classification Summary - May 2015. Collection method: clinical testing. Allele origin: germline.
Comment: Variant summary: ZFYVE26 c.2554-17_2554-14delinsG alters a non-conserved nucleotide located at a position not widely known to affect splicing. Consensus agreement among computation tools predict no significant impact on normal splicing. However, these predictions have yet to be confirmed by functional studies. The allele frequency of this variant could not be determined from population databases such as gnomAD as it is a multinucleotide variant consisting of 14-68257503-AGGG-A (c.2554-16_2554-14delCCC) and 14-68257507-A-C (c.2554-17T>G). The individual variants have similar frequencies but the exact number of alleles representing a combination of the two in cis is unknown. However, based on the frequency of atleast one of the variants, namely c.2554-17T>G, it can be estimated that the multinucleotide variant will be found at a frequency of 0.00028 in 282768 control chromosomes (gnomAD). To our knowledge, no occurrence of c.2554-17_2554-14delinsG in individuals affected with Hereditary Spastic Paraplegia 15 and no experimental evidence demonstrating its impact on protein function have been reported. No submitters have cited clinical-significance assessments for this variant to ClinVar. Based on the evidence outlined above, the variant was classified as likely benign.

Blueprint Genetics
Classification: Uncertain significance. Last evaluated: 2021-10-20. Review status: criteria provided, single submitter. Criteria: ACMG Guidelines, 2015. Collection method: clinical testing. Allele origin: germline.